The following is an entry in ClinVar:

ClinVar aggregate classification (germline): Benign/Likely benign. Review status: criteria provided, multiple submitters, no conflicts (2 of 4 stars). 2 submissions from 2 submitters: Benign (1); Likely benign (1). Last evaluated 2024-05-14.

Conditions:
Hereditary cancer-predisposing syndrome. Also called: Neoplastic Syndromes, Hereditary; Tumor predisposition; Hereditary Cancer Syndrome; Hereditary neoplastic syndrome. Identifiers: Orphanet 140162, MedGen C0027672, MeSH D009386, MONDO:0015356.
Familial cancer of breast. Also called: BREAST CANCER, FAMILIAL; Hereditary breast cancer; hereditary breast carcinoma. Identifiers: Orphanet 227535, MedGen C0346153, MONDO:0016419, OMIM 114480. Disease mechanism: loss of function.

Submissions (2):

Myriad Genetics, Inc.
Classification: Benign for Familial cancer of breast. Last evaluated: 2024-05-14. Review status: criteria provided, single submitter. Criteria: Myriad Autosomal Dominant, Autosomal Recessive and X-Linked Classification Criteria (2023). Collection method: clinical testing. Allele origin: unknown.
Comment: This variant is considered benign. This variant is a silent/synonymous amino acid change and it is not expected to impact splicing.

Ambry Genetics
Classification: Likely benign for Hereditary cancer-predisposing syndrome. Last evaluated: 2017-09-27. Review status: criteria provided, single submitter. Criteria: Ambry Variant Classification Scheme 2023. Collection method: clinical testing. Allele origin: germline.

NM_000051.4(ATM):c.3363A>G (p.Glu1121=)

Gene: ATM (ATM serine/threonine kinase; plus strand). Cytogenetic location: 11q22.3.
Variant type: single nucleotide variant.
Coding change: c.3363A>G on transcript NM_000051.4 (MANE Select); coding-DNA position 3363, A replaced by G.
Protein change: p.Glu1121=; no amino-acid change (glutamic acid 1121 retained).
Molecular consequence: synonymous variant.
Genome position (GRCh38, 1-based): chr11:108,279,569, A>G. VCF-style: chr11-108279569-A-G. GRCh37 (hg19) VCF-style: chr11-108150296-A-G.
Other names: c.3363A>G, p.Glu1121= (NM_001351834.2).
Identifiers: ClinVar variation 1730633 (VCV001730633.3), dbSNP rs2546862609, ClinGen allele CA476672734.